The following is an entry in ClinVar:

NM_006648.4(WNK2):c.5369G>T (p.Arg1790Leu)

Gene: WNK2 (WNK lysine deficient protein kinase 2; plus strand). Cytogenetic location: 9q22.31.
Variant type: single nucleotide variant.
Coding change: c.5369G>T on transcript NM_006648.4 (MANE Select); coding-DNA position 5369, G replaced by T.
Protein change: p.Arg1790Leu; replaces arginine 1790 with leucine.
Molecular consequence: missense variant.
Genome position (GRCh38, 1-based): chr9:93,292,834, G>T. VCF-style: chr9-93292834-G-T. GRCh37 (hg19) VCF-style: chr9-96055116-G-T.
Other names: c.5480G>T, p.Arg1827Leu (NM_001282394.3); short protein forms R1790L, R1827L.
Identifiers: ClinVar variation 4866597 (VCV004866597.1).

ClinVar aggregate classification (germline): Uncertain significance (1 of 4 stars; one submission).

Submission:

Ambry Genetics
Classification: Uncertain significance. Last evaluated: 2026-04-16. Review status: criteria provided, single submitter. Criteria: Ambry Variant Classification Scheme 2023. Collection method: clinical testing. Allele origin: germline.
Comment: The p.R1790L variant (also known as c.5369G>T), located in coding exon 22 of the WNK2 gene, results from a G to T substitution at nucleotide position 5369. The arginine at codon 1790 is replaced by leucine, an amino acid with dissimilar properties. This amino acid position is conserved. In addition, the in silico prediction for this alteration is inconclusive. Based on the available evidence, the clinical significance of this variant remains unclear.